The following is an entry in ClinVar:

ClinVar aggregate classification (germline): Uncertain significance. Review status: criteria provided, multiple submitters, no conflicts (2 of 4 stars). 2 submissions from 2 submitters: Uncertain significance (2). Last evaluated 2025-04-28.

Conditions:
Inborn genetic diseases. Identifiers: MedGen C0950123, MeSH D030342.

Allele frequency attached by ClinVar (database versions not stated): TOPMed below 0.00001.
gnomAD v4.1: 13 of 1,613,938 alleles (0.00081%); highest among the groups gnomAD compares: Middle Eastern, 0.016%; no homozygotes.

Submissions (2):

Labcorp Genetics (formerly Invitae), Labcorp
Classification: Uncertain significance. Last evaluated: 2025-04-28. Review status: criteria provided, single submitter. Criteria: Invitae Variant Classification Sherloc (09022015). Collection method: clinical testing. Allele origin: germline.
Comment: This sequence change replaces proline, which is neutral and non-polar, with leucine, which is neutral and non-polar, at codon 601 of the CAPN5 protein (p.Pro601Leu). This variant is present in population databases (rs782567376, gnomAD 0.003%). This variant has not been reported in the literature in individuals affected with CAPN5-related conditions. ClinVar contains an entry for this variant (Variation ID: 1927246). An algorithm developed to predict the effect of missense changes on protein structure and function (PolyPhen-2) suggests that this variant is likely to be tolerated. In summary, the available evidence is currently insufficient to determine the role of this variant in disease. Therefore, it has been classified as a Variant of Uncertain Significance.

Ambry Genetics
Classification: Uncertain significance for Inborn genetic diseases. Last evaluated: 2022-08-08. Review status: criteria provided, single submitter. Criteria: Ambry Variant Classification Scheme 2023. Collection method: clinical testing. Allele origin: germline.

NM_004055.5(CAPN5):c.1802C>T (p.Pro601Leu)

Gene: CAPN5 (calpain 5; plus strand). Cytogenetic location: 11q13.5.
Variant type: single nucleotide variant.
Coding change: c.1802C>T on transcript NM_004055.5 (MANE Select); coding-DNA position 1802, C replaced by T.
Protein change: p.Pro601Leu; replaces proline 601 with leucine.
Molecular consequence: missense variant.
Genome position (GRCh38, 1-based): chr11:77,123,749, C>T. VCF-style: chr11-77123749-C-T. GRCh37 (hg19) VCF-style: chr11-76834795-C-T.
Other names: short protein forms P601L.
Identifiers: ClinVar variation 1927246 (VCV001927246.6), dbSNP rs782567376, ClinGen allele CA6196919.